The following is an entry in ClinVar:

NM_000153.4(GALC):c.404AAG[1] (p.Glu136del)

Gene: GALC (galactosylceramidase; minus strand). Cytogenetic location: 14q31.3.
Variant type: Microsatellite.
Coding change: c.404AAG[1] on transcript NM_000153.4 (MANE Select); one copy of the 3-base unit AAG starting at c.404; the reference has two copies in a row; one copy, 3 bases deleted.
Protein change: p.Glu136del; deletes glutamic acid 136.
Molecular consequence: 5 prime UTR variant (on NM_001424076.1). On other transcripts: non-coding transcript variant (1).
Genome position (GRCh38, 1-based): chr14:87,986,522-87,986,524, CTT deleted on the plus strand (AAG on the coding strand, the reverse complement: GALC is on the minus strand); deleting any 3 consecutive bases within chr14:87,986,522-87,986,527 gives the same sequence; the position shown is the placement nearest the transcript's 3' end. VCF-style (leftmost placement, unchanged base first): chr14-87986521-GCTT-G. GRCh37 (hg19) VCF-style: chr14-88452865-GCTT-G.
Other names: c.335AAG[1], p.Glu113del (NM_001201401.2); c.326AAG[1], p.Glu110del (NM_001201402.2); c.236AAG[1], p.Glu80del (NM_001424071.1, NM_001424072.1, NM_001424073.1); c.56AAG[1], p.Glu20del (NM_001424074.1, NM_001424075.1); c.-264AAG[1] (NM_001424076.1, NM_001424077.1); short protein forms E110del, E113del, E20del, E136del, E80del.
Identifiers: ClinVar variation 3690451 (VCV003690451.2).

ClinVar aggregate classification (germline): Uncertain significance (1 of 4 stars; one submission).

Conditions:
Galactosylceramide beta-galactosidase deficiency. Also called: GALACTOCEREBROSIDASE DEFICIENCY; GALC DEFICIENCY; GLOBOID CELL LEUKOENCEPHALOPATHY; Leukodystrophy, Globoid Cell; Krabbe Disease. Identifiers: Orphanet 487, MedGen C0023521, MONDO:0009499, OMIM 245200.

Submission:

Labcorp Genetics (formerly Invitae), Labcorp
Classification: Uncertain significance for Galactosylceramide beta-galactosidase deficiency. Last evaluated: 2024-11-21. Review status: criteria provided, single submitter. Criteria: Invitae Variant Classification Sherloc (09022015). Collection method: clinical testing. Allele origin: germline.
Comment: This variant, c.407_409del, results in the deletion of 1 amino acid(s) of the GALC protein (p.Glu136del), but otherwise preserves the integrity of the reading frame. This variant is not present in population databases (gnomAD no frequency). This variant has not been reported in the literature in individuals affected with GALC-related conditions. Experimental studies and prediction algorithms are not available or were not evaluated, and the functional significance of this variant is currently unknown. In summary, the available evidence is currently insufficient to determine the role of this variant in disease. Therefore, it has been classified as a Variant of Uncertain Significance.